The following is an entry in ClinVar:

ClinVar aggregate classification (germline): Uncertain significance (1 of 4 stars; one submission).

gnomAD v4.1: 50 of 1,612,716 alleles (0.0031%); highest among the groups gnomAD compares: South Asian, 0.0077%; no homozygotes.

Submission:

Labcorp Genetics (formerly Invitae), Labcorp
Classification: Uncertain significance. Last evaluated: 2025-02-10. Review status: criteria provided, single submitter. Criteria: Invitae Variant Classification Sherloc (09022015). Collection method: clinical testing. Allele origin: germline.
Comment: This sequence change replaces arginine, which is basic and polar, with cysteine, which is neutral and slightly polar, at codon 940 of the HMCN1 protein (p.Arg940Cys). This variant is present in population databases (rs768946010, gnomAD 0.01%). This variant has not been reported in the literature in individuals affected with HMCN1-related conditions. An algorithm developed to predict the effect of missense changes on protein structure and function (PolyPhen-2) suggests that this variant is likely to be disruptive. In summary, the available evidence is currently insufficient to determine the role of this variant in disease. Therefore, it has been classified as a Variant of Uncertain Significance.

NM_031935.3(HMCN1):c.2818C>T (p.Arg940Cys)

Gene: HMCN1 (hemicentin 1; plus strand). Cytogenetic location: 1q31.1.
Variant type: single nucleotide variant.
Coding change: c.2818C>T on transcript NM_031935.3 (MANE Select); coding-DNA position 2818, C replaced by T.
Protein change: p.Arg940Cys; replaces arginine 940 with cysteine.
Molecular consequence: missense variant.
Genome position (GRCh38, 1-based): chr1:185,984,196, C>T. VCF-style: chr1-185984196-C-T. GRCh37 (hg19) VCF-style: chr1-185953328-C-T.
Other names: short protein forms R940C.
Identifiers: ClinVar variation 4698186 (VCV004698186.1).
Genomic context (GRCh38, chr1:185,984,196, plus strand): 5'-TTAAATAAAAATTACCTTTTTTTTTCCTTTAAGTTGCTCCAAAATCCTTACATCACTGTG[C>T]GCAGTGATGGGAGCCTCCATATTGAAAGAGTTCAGCTTCAGGATGGTGGTGAATATACTT-3'
Protein context (NP_114141.2, residues 930-950): MLLQNPYITV[Arg940Cys]SDGSLHIERV